The following is an entry in ClinVar:

NM_052859.4(RFT1):c.1286T>C (p.Val429Ala)

Gene: RFT1 (RFT1 glycolipid translocator homolog; minus strand). Cytogenetic location: 3p21.1.
Variant type: single nucleotide variant.
Coding change: c.1286T>C on transcript NM_052859.4 (MANE Select); coding-DNA position 1286, T replaced by C.
Protein change: p.Val429Ala; replaces valine 429 with alanine.
Molecular consequence: missense variant.
Genome position (GRCh38, 1-based): chr3:53,092,541, A>G on the plus strand (T>C on the coding strand, the complement: RFT1 is on the minus strand). VCF-style: chr3-53092541-A-G. GRCh37 (hg19) VCF-style: chr3-53126557-A-G.
Other names: c.1286T>C (NM_052859.3); short protein forms V429A.
Identifiers: ClinVar variation 1414311 (VCV001414311.7), dbSNP rs748400773, ClinGen allele CA2451183.

ClinVar aggregate classification (germline): Uncertain significance. Review status: criteria provided, multiple submitters, no conflicts (2 of 4 stars). 2 submissions from 2 submitters: Uncertain significance (2). Last evaluated 2022-08-31.

Conditions:
RFT1-congenital disorder of glycosylation (CDG1N). Also called: Congenital disorder of glycosylation type In; RFT1-CDG; CDG In. Identifiers: Orphanet 244310, MedGen C2677590, MONDO:0012783, OMIM 612015.
Inborn genetic diseases. Identifiers: MedGen C0950123, MeSH D030342.

Allele frequency attached by ClinVar (database versions not stated): ExAC 0.00001; gnomAD exomes 0.00001 and 0.00002.
gnomAD v4.1: 13 of 1,612,520 alleles (0.00081%); highest among the groups gnomAD compares: South Asian, 0.014%; no homozygotes.

Submissions (2):

Ambry Genetics
Classification: Uncertain significance for Inborn genetic diseases. Last evaluated: 2022-08-31. Review status: criteria provided, single submitter. Criteria: Ambry Variant Classification Scheme 2023. Collection method: clinical testing. Allele origin: germline.

Labcorp Genetics (formerly Invitae), Labcorp
Classification: Uncertain significance for RFT1-congenital disorder of glycosylation. Last evaluated: 2022-03-19. Review status: criteria provided, single submitter. Criteria: Invitae Variant Classification Sherloc (09022015). Collection method: clinical testing. Allele origin: germline.
Comment: In summary, the available evidence is currently insufficient to determine the role of this variant in disease. Therefore, it has been classified as a Variant of Uncertain Significance. Algorithms developed to predict the effect of missense changes on protein structure and function (SIFT, PolyPhen-2, Align-GVGD) all suggest that this variant is likely to be tolerated. This variant has not been reported in the literature in individuals affected with RFT1-related conditions. This variant is present in population databases (rs748400773, gnomAD 0.01%). This sequence change replaces valine, which is neutral and non-polar, with alanine, which is neutral and non-polar, at codon 429 of the RFT1 protein (p.Val429Ala).